The following is an entry in ClinVar:

ClinVar aggregate classification (germline): Likely pathogenic. Review status: criteria provided, multiple submitters, no conflicts (2 of 4 stars). 2 submissions from 2 submitters: Likely pathogenic (2). Last evaluated 2026-01-02.

Conditions:
Sotos syndrome (SOTOS). Also called: Distinctive facial appearance, overgrowth in childhood, and learning disabilities or delayed development; SOTOS SYNDROME 1; CHROMOSOME 5q35 DELETION SYNDROME; CEREBRAL GIGANTISM; Sotos' syndrome. Identifiers: Orphanet 821, MedGen C0175695, MONDO:0019349, OMIM 117550.

gnomAD v4.1: 2 of 1,613,598 alleles (0.00012%); highest among the groups gnomAD compares: African/African-American, 0.0013%; no homozygotes.

Submissions (2):

Women's Health and Genetics/Laboratory Corporation of America, LabCorp
Classification: Likely pathogenic for Sotos syndrome. Last evaluated: 2026-01-02. Review status: criteria provided, single submitter. Criteria: LabCorp Variant Classification Summary - May 2015. Collection method: clinical testing. Allele origin: germline.
Comment: Variant summary: NSD1 c.3921+1G>A is located in a canonical splice-site and is predicted to affect mRNA splicing resulting in a significantly altered protein due to either exon skipping, shortening, or inclusion of intronic material. Variants that disrupt the consensus splice site are a relatively common cause of aberrant splicing and loss of NSD1 function. Several computational tools predict a significant impact on normal splicing: Four predict the variant abolishes a 5' splicing donor site. However, these predictions have yet to be confirmed by functional studies. The variant was absent in 250936 control chromosomes. To our knowledge, no occurrence of c.3921+1G>A in individuals affected with NSD1-related conditions and no experimental evidence demonstrating its impact on protein function have been reported. ClinVar contains an entry for this variant (Variation ID: 3603864). Based on the evidence outlined above, the variant was classified as likely pathogenic.

Labcorp Genetics (formerly Invitae), Labcorp
Classification: Likely pathogenic. Last evaluated: 2024-07-11. Review status: criteria provided, single submitter. Criteria: Invitae Variant Classification Sherloc (09022015). Collection method: clinical testing. Allele origin: germline.
Comment: This sequence change affects a donor splice site in intron 6 of the NSD1 gene. It is expected to disrupt RNA splicing. Variants that disrupt the donor or acceptor splice site typically lead to a loss of protein function (PMID: 16199547), and loss-of-function variants in NSD1 are known to be pathogenic (PMID: 12464997, 14571271, 15942875, 16247291). This variant is not present in population databases (gnomAD no frequency). This variant has not been reported in the literature in individuals affected with NSD1-related conditions. Algorithms developed to predict the effect of sequence changes on RNA splicing suggest that this variant may disrupt the consensus splice site. In summary, the currently available evidence indicates that the variant is pathogenic, but additional data are needed to prove that conclusively. Therefore, this variant has been classified as Likely Pathogenic.

Literature cited by the submitters: PubMed 16199547 (cited by Labcorp Genetics (formerly Invitae), Labcorp); PubMed 12464997 (cited by Labcorp Genetics (formerly Invitae), Labcorp); PubMed 14571271 (cited by Labcorp Genetics (formerly Invitae), Labcorp); PubMed 15942875 (cited by Labcorp Genetics (formerly Invitae), Labcorp); PubMed 16247291 (cited by Labcorp Genetics (formerly Invitae), Labcorp).

NM_022455.5(NSD1):c.3921+1G>A

Gene: NSD1 (nuclear receptor binding SET domain protein 1; plus strand). Cytogenetic location: 5q35.3.
Variant type: single nucleotide variant.
Coding change: c.3921+1G>A on transcript NM_022455.5 (MANE Select); the canonical splice donor site of the intron after coding-DNA position 3921, G replaced by A.
Molecular consequence: splice donor variant.
Genome position (GRCh38, 1-based): chr5:177,235,946, G>A. VCF-style: chr5-177235946-G-A. GRCh37 (hg19) VCF-style: chr5-176662947-G-A.
Other names: c.3921+1G>A (NM_001409301.1, NM_001409302.1, NM_001409303.1); c.3501+1G>A (NM_001409304.1); c.3168+1G>A (NM_001409305.1); c.3048+1G>A (NM_001409306.1, NM_001409308.1, NM_001409307.1 and 3 more transcripts).
Identifiers: ClinVar variation 3603864 (VCV003603864.3).